The following is an entry in ClinVar:

ClinVar aggregate classification (germline): Likely benign. Review status: reviewed by expert panel (3 of 4 stars). 3 submissions from 3 submitters: Likely benign (1). 2 of the submissions do not count toward it. Last evaluated 2017-06-29.

Conditions:
Hereditary cancer-predisposing syndrome. Also called: Hereditary Cancer Syndrome; Neoplastic Syndromes, Hereditary; Hereditary neoplastic syndrome; Tumor predisposition. Identifiers: Orphanet 140162, MedGen C0027672, MeSH D009386, MONDO:0015356.
Hereditary breast ovarian cancer syndrome. Also called: Hereditary breast and ovarian cancer syndrome (HBOC); Breast and ovarian cancer; Hereditary breast and ovarian cancer syndrome; Hereditary breast and ovarian cancer; BRCA1- and BRCA2-Associated Hereditary Breast and Ovarian Cancer; Hereditary breast and/or ovarian cancer syndrome. Identifiers: Orphanet 145, MedGen C0677776, MeSH D061325, MONDO:0003582. Disease mechanism: loss of function.
Breast-ovarian cancer, familial, susceptibility to, 1 (BROVCA1). Also called: BRCA1 Hereditary Breast and Ovarian Cancer; OVARIAN CANCER, SUSCEPTIBILITY TO. Identifiers: Orphanet 145, MedGen C2676676, MONDO:0011450, OMIM 604370. Disease mechanism: loss of function.

Submissions (3):

Evidence-based Network for the Interpretation of Germline Mutant Alleles (ENIGMA)
Classification: Likely benign for Breast-ovarian cancer, familial, susceptibility to, 1. Last evaluated: 2017-06-29. Review status: reviewed by expert panel. Criteria: ENIGMA BRCA1/2 Classification Criteria (2017-06-29). Collection method: curation. Allele origin: germline.
Comment: Synonymous substitution variant, with low bioinformatic likelihood to result in a splicing aberration (Splicing prior probability 0.02).

Ambry Genetics
Classification: Likely benign for Hereditary cancer-predisposing syndrome. Last evaluated: 2023-05-13. Review status: criteria provided, single submitter. Criteria: Ambry Variant Classification Scheme 2023. Collection method: clinical testing. Allele origin: germline. Not counted in ClinVar's aggregate classification.

Labcorp Genetics (formerly Invitae), Labcorp
Classification: Likely benign for Hereditary breast ovarian cancer syndrome. Last evaluated: 2016-09-01. Review status: criteria provided, single submitter. Criteria: Invitae Variant Classification Sherloc (09022015). Collection method: clinical testing. Allele origin: germline. Not counted in ClinVar's aggregate classification.

NM_007294.4(BRCA1):c.1704T>C (p.Pro568=)

Gene: BRCA1 (BRCA1 DNA repair associated; minus strand). Cytogenetic location: 17q21.31.
Variant type: single nucleotide variant.
Coding change: c.1704T>C on transcript NM_007294.4 (MANE Select); coding-DNA position 1704, T replaced by C.
Protein change: p.Pro568=; no amino-acid change (proline 568 retained).
Molecular consequence: synonymous variant. On other transcripts: intron variant (137).
Genome position (GRCh38, 1-based): chr17:43,093,827, A>G on the plus strand (T>C on the coding strand, the complement: BRCA1 is on the minus strand). VCF-style: chr17-43093827-A-G. GRCh37 (hg19) VCF-style: chr17-41245844-A-G.
Other names: c.1491T>C, p.Pro497= (NM_001407571.1, NM_001407853.1, NM_001407894.1 and 9 more transcripts); c.1704T>C, p.Pro568= (NM_001407581.1, NM_001407582.1, NM_001407583.1 and 30 more transcripts); c.1701T>C, p.Pro567= (NM_001407587.1, NM_001407590.1, NM_001407591.1 and 22 more transcripts); c.1695T>C, p.Pro565= (NM_001407646.1, NM_001407647.1); c.1581T>C, p.Pro527= (NM_001407648.1, NM_001407664.1, NM_001407665.1 and 19 more transcripts); c.1578T>C, p.Pro526= (NM_001407649.1, NM_001407670.1, NM_001407671.1 and 11 more transcripts); c.1626T>C, p.Pro542= (NM_001407653.1, NM_001407654.1, NM_001407655.1 and 4 more transcripts); c.1623T>C, p.Pro541= (NM_001407659.1, NM_001407660.1, NM_001407661.1 and 1 more transcripts); and 40 more.
Identifiers: ClinVar variation 240775 (VCV000240775.16), dbSNP rs587780795, ClinGen allele CA10583578.